The following is an entry in ClinVar:

ClinVar aggregate classification (germline): Likely benign. Review status: reviewed by expert panel (3 of 4 stars). 2 submissions from 2 submitters: Likely benign (1). 1 of the submissions does not count toward it. Last evaluated 2025-01-15.

Conditions:
Hereditary thrombocytopenia and hematological cancer predisposition syndrome associated with RUNX1. Also called: Familial Platelet Disorder with Propensity to Acute Myelogenous Leukemia; Familial thrombocytopenia with propensity to acute myelogenous leukemia; PLATELET DISORDER, ASPIRIN-LIKE; RUNX1 Familial Platelet Disorder with Associated Myeloid Malignancies. Identifiers: Orphanet 71290, MedGen C1832388, MeSH C563324, MONDO:0100083, OMIM 601399.
Hereditary thrombocytopenia and hematologic cancer predisposition syndrome. Identifiers: Orphanet 71290, MedGen CN281654, MONDO:0011071.

Submissions (2):

ClinGen Myeloid Malignancy Variant Curation Expert Panel
Classification: Likely benign for Hereditary thrombocytopenia and hematologic cancer predisposition syndrome. Last evaluated: 2025-01-15. Review status: reviewed by expert panel. Criteria: ClinGen MyeloMalig ACMG Specifications v2. Collection method: curation. Allele origin: germline. Inheritance: Autosomal dominant inheritance.
Comment: NM_001754.5(RUNX1):c.806-19C>T is an intronic variant. This variant is completely absent from all population databases with at least 20x coverage for RUNX1 (PM2_Supporting). This variant has a SpliceAI score ≤ 0.20 (0.13) (BP4). This variant has a SpliceAI score ≤ 0.20 (0.13) and evolutionary conservation prediction algorithms predict the site as not being conserved (PhyloP score ≤ 2.0 (1.57) (BP7). In summary, this variant meets criteria to be classified as likely benign. ACMG/AMP criteria applied, as specified by the Myeloid Malignancy Variant Curation Expert Panel for RUNX1: PM2_Supporting, BP4, BP7.

Labcorp Genetics (formerly Invitae), Labcorp
Classification: Likely benign for Hereditary thrombocytopenia and hematological cancer predisposition syndrome associated with RUNX1. Last evaluated: 2022-10-04. Review status: criteria provided, single submitter. Criteria: Invitae Variant Classification Sherloc (09022015). Collection method: clinical testing. Allele origin: germline. Not counted in ClinVar's aggregate classification.

NM_001754.5(RUNX1):c.806-19C>T

Gene: RUNX1 (RUNX family transcription factor 1; minus strand). Cytogenetic location: 21q22.12.
Variant type: single nucleotide variant.
Coding change: c.806-19C>T on transcript NM_001754.5 (MANE Select); 19 bases into the intron before coding-DNA position 806, C replaced by T.
Molecular consequence: intron variant.
Genome position (GRCh38, 1-based): chr21:34,799,481, G>A on the plus strand (C>T on the coding strand, the complement: RUNX1 is on the minus strand). VCF-style: chr21-34799481-G-A. GRCh37 (hg19) VCF-style: chr21-36171778-G-A.
Other names: c.725-19C>T (NM_001001890.3).
Identifiers: ClinVar variation 2034115 (VCV002034115.5), dbSNP rs2516864225, ClinGen allele CA2580098850.
Genomic context (GRCh38, chr21:34,799,481, plus strand): 5'-GATCGTAGGACCACGGTGGGGATGGTTGGATCTGCCTTGTATCTGAAGAGAATCAGAAAG[G>A]TCAATTATATGTAAAGTGGGGTGGGATTTAAAAAATGTCTTTTAATAAGAAATGAGTGGC-3'